The following is an entry in ClinVar:

NM_005219.5(DIAPH1):c.2978A>G (p.Asn993Ser)

Gene: DIAPH1 (diaphanous related formin 1; minus strand). Cytogenetic location: 5q31.3.
Variant type: single nucleotide variant.
Coding change: c.2978A>G on transcript NM_005219.5 (MANE Select); coding-DNA position 2978, A replaced by G.
Protein change: p.Asn993Ser; replaces asparagine 993 with serine.
Molecular consequence: missense variant.
Genome position (GRCh38, 1-based): chr5:141,528,742, T>C on the plus strand (A>G on the coding strand, the complement: DIAPH1 is on the minus strand). VCF-style: chr5-141528742-T-C. GRCh37 (hg19) VCF-style: chr5-140908309-T-C.
Other names: c.2951A>G, p.Asn984Ser (NM_001079812.3); c.2978A>G, p.Asn993Ser (NM_001314007.2); c.2978A>G (NM_005219.4); short protein forms N984S, N993S.
Identifiers: ClinVar variation 2107120 (VCV002107120.6), dbSNP rs2099887760, ClinGen allele CA361583996.

ClinVar aggregate classification (germline): Uncertain significance. Review status: criteria provided, multiple submitters, no conflicts (2 of 4 stars). 2 submissions from 2 submitters: Uncertain significance (2). Last evaluated 2025-08-14.

Conditions:
Progressive microcephaly-seizures-cortical blindness-developmental delay syndrome. Also called: Seizures, cortical blindness, and microcephaly syndrome. Identifiers: Orphanet 477814, MedGen C5567650, MONDO:0014714, OMIM 616632.
Autosomal dominant nonsyndromic hearing loss 1. Also called: DEAFNESS, AUTOSOMAL DOMINANT 1, WITH OR WITHOUT THROMBOCYTOPENIA; KONIGSMARK SYNDROME. Identifiers: Orphanet 90635, MedGen C1852282, MONDO:0007424, OMIM 124900.

Allele frequency attached by ClinVar (database versions not stated): TOPMed below 0.00001.

Submissions (2):

GeneDx
Classification: Uncertain significance. Last evaluated: 2025-08-14. Review status: criteria provided, single submitter. Criteria: GeneDx Variant Classification Process June 2021. Collection method: clinical testing. Allele origin: germline.
Comment: Not observed at significant frequency in large population cohorts (gnomAD); In silico analysis supports that this missense variant has a deleterious effect on protein structure/function; Has not been previously published as pathogenic or benign to our knowledge

Labcorp Genetics (formerly Invitae), Labcorp
Classification: Uncertain significance for Progressive microcephaly-seizures-cortical blindness-developmental delay syndrome; Autosomal dominant nonsyndromic hearing loss 1. Last evaluated: 2022-09-09. Review status: criteria provided, single submitter. Criteria: Invitae Variant Classification Sherloc (09022015). Collection method: clinical testing. Allele origin: germline.
Comment: This sequence change replaces asparagine, which is neutral and polar, with serine, which is neutral and polar, at codon 993 of the DIAPH1 protein (p.Asn993Ser). This variant is not present in population databases (gnomAD no frequency). This variant has not been reported in the literature in individuals affected with DIAPH1-related conditions. Algorithms developed to predict the effect of missense changes on protein structure and function are either unavailable or do not agree on the potential impact of this missense change (SIFT: "Deleterious"; PolyPhen-2: "Probably Damaging"; Align-GVGD: "Class C0"). In summary, the available evidence is currently insufficient to determine the role of this variant in disease. Therefore, it has been classified as a Variant of Uncertain Significance.